The following is an entry in ClinVar:

NM_001379451.1(BCORL1):c.5298C>G (p.Tyr1766Ter)

Gene: BCORL1 (BCL6 corepressor like 1; plus strand). Cytogenetic location: Xq26.1.
Variant type: single nucleotide variant.
Coding change: c.5298C>G on transcript NM_001379451.1 (MANE Select); coding-DNA position 5298, C replaced by G.
Protein change: p.Tyr1766Ter; replaces tyrosine 1766 with a stop codon.
Molecular consequence: nonsense.
Genome position (GRCh38, 1-based): chrX:130,056,076, C>G. VCF-style: chrX-130056076-C-G. GRCh37 (hg19) VCF-style: chrX-129190051-C-G.
Other names: c.5298C>G, p.Tyr1766Ter (NM_001184772.3, NM_001379450.1); c.5076C>G, p.Tyr1692Ter (NM_021946.5); short protein forms Y1692*, Y1766*.
Identifiers: ClinVar variation 1809851 (VCV001809851.1), dbSNP rs752053901, ClinGen allele CA414559420.
Genomic context (GRCh38, chrX:130,056,076, plus strand): 5'-TGGAGGCTTGGACGACAGATCCCCCCCAGGCTCCTCTGAGACTGTGGAGCTGGTGCGGTA[C>G]GAGCCAGACCTACTTCGGCTCCTAGGGTCCGAGGTGGAATTCCAGTCTTGCAACAGTTGA-3'

ClinVar aggregate classification (germline): Uncertain significance (1 of 4 stars; one submission).

Submission:

GeneDx
Classification: Uncertain significance. Last evaluated: 2022-06-28. Review status: criteria provided, single submitter. Criteria: GeneDx Variant Classification Process June 2021. Collection method: clinical testing. Allele origin: germline. Affected: yes.
Comment: Not observed at significant frequency in large population cohorts (gnomAD); Nonsense variant predicted to result in protein truncation as the last 20 amino acids are lost, although loss-of-function variants have not been reported downstream of this position in the protein; Has not been previously published as pathogenic or benign to our knowledge